The following is an entry in ClinVar:

NM_003560.4(PLA2G6):c.1117G>C (p.Gly373Arg)

Gene: PLA2G6 (phospholipase A2 group VI; minus strand). Cytogenetic location: 22q13.1.
Variant type: single nucleotide variant.
Coding change: c.1117G>C on transcript NM_003560.4 (MANE Select); coding-DNA position 1117, G replaced by C.
Protein change: p.Gly373Arg; replaces glycine 373 with arginine.
Molecular consequence: missense variant.
Genome position (GRCh38, 1-based): chr22:38,129,523, C>G on the plus strand (G>C on the coding strand, the complement: PLA2G6 is on the minus strand). VCF-style: chr22-38129523-C-G. GRCh37 (hg19) VCF-style: chr22-38525530-C-G.
Other names: c.1117G>C, p.Gly373Arg (NM_001199562.3, NM_001349864.2, NM_001349865.2 and 2 more transcripts); c.583G>C, p.Gly195Arg (NM_001349867.2, NM_001349869.2); c.439G>C, p.Gly147Arg (NM_001349868.2); short protein forms G373R, G195R, G147R.
Identifiers: ClinVar variation 2863736 (VCV002863736.4), dbSNP rs587784327, ClinGen allele CA411530505.

ClinVar aggregate classification (germline): Pathogenic. Review status: criteria provided, multiple submitters, no conflicts (2 of 4 stars). 2 submissions from 2 submitters: Pathogenic (2). Last evaluated 2025-12-15.

Conditions:
Neurodegeneration with brain iron accumulation (NBIA). Identifiers: Orphanet 385, MedGen C2931845, MONDO:0018307.
Infantile neuroaxonal dystrophy (NBIA2A). Also called: NEURODEGENERATION WITH BRAIN IRON ACCUMULATION 2A; SEITELBERGER DISEASE; Infantile neuroaxonal dystrophy 1. Identifiers: Orphanet 35069, MedGen C0270724, MONDO:0024457, OMIM 256600.

Allele frequency attached by ClinVar (database versions not stated): gnomAD 0.00001.
gnomAD v4.1: 2 of 1,613,964 alleles (0.00012%); highest among the groups gnomAD compares: Admixed American, 0.0017%; no homozygotes.

Submissions (2):

Women's Health and Genetics/Laboratory Corporation of America, LabCorp
Classification: Pathogenic for Neurodegeneration with brain iron accumulation. Last evaluated: 2025-12-15. Review status: criteria provided, single submitter. Criteria: LabCorp Variant Classification Summary - May 2015. Collection method: clinical testing. Allele origin: germline.
Comment: Variant summary: PLA2G6 c.1117G>C (p.Gly373Arg) results in a non-conservative amino acid change in the encoded protein sequence. Algorithms developed to predict the effect of missense changes on protein structure and function all suggest that this variant is likely to be disruptive. The variant was absent in 251466 control chromosomes (gnomAD). This missense change (p.Gly373Arg) has been observed in individuals affected with clinical features of PLA2G6-related disorder (Zhang_2013, Lee_2014, internal data). These data indicate that the variant is likely to be associated with disease. At least one publication reports experimental evidence evaluating an impact on protein function and this variant affects the PLA2G6 protein function (Wada_2009, Nguyen_2011). The following publications have been ascertained in the context of this evaluation (PMID: 25326637, 22934738, 19893029, 20947703). ClinVar contains an entry for this variant (Variation ID: 2863736). Based on the evidence outlined above, the variant was classified as pathogenic.

Labcorp Genetics (formerly Invitae), Labcorp
Classification: Pathogenic for Infantile neuroaxonal dystrophy. Last evaluated: 2023-05-12. Review status: criteria provided, single submitter. Criteria: Invitae Variant Classification Sherloc (09022015). Collection method: clinical testing. Allele origin: germline.
Comment: Advanced modeling of protein sequence and biophysical properties (such as structural, functional, and spatial information, amino acid conservation, physicochemical variation, residue mobility, and thermodynamic stability) performed at Invitae indicates that this missense variant is expected to disrupt PLA2G6 protein function. This missense change has been observed in individuals with clinical features of PLA2G6-related conditions (PMID: 22934738, 25326637; Invitae). It has also been observed to segregate with disease in related individuals. This variant is not present in population databases (gnomAD no frequency). This sequence change replaces glycine, which is neutral and non-polar, with arginine, which is basic and polar, at codon 373 of the PLA2G6 protein (p.Gly373Arg). For these reasons, this variant has been classified as Pathogenic. Experimental studies have shown that this missense change affects PLA2G6 function (PMID: 19893029, 20947703, 22442204).

Literature cited by the submitters: PubMed 25326637 (cited by Women's Health and Genetics/Laboratory Corporation of America, LabCorp and Labcorp Genetics (formerly Invitae), Labcorp); PubMed 22934738 (cited by Women's Health and Genetics/Laboratory Corporation of America, LabCorp and Labcorp Genetics (formerly Invitae), Labcorp); PubMed 20947703 (cited by Women's Health and Genetics/Laboratory Corporation of America, LabCorp and Labcorp Genetics (formerly Invitae), Labcorp); PubMed 19893029 (cited by Women's Health and Genetics/Laboratory Corporation of America, LabCorp and Labcorp Genetics (formerly Invitae), Labcorp); PubMed 22442204 (cited by Labcorp Genetics (formerly Invitae), Labcorp).